The following is an entry in ClinVar:

NM_001367624.2(ZNF469):c.5644G>A (p.Ala1882Thr)

Gene: ZNF469 (zinc finger protein 469; plus strand). Cytogenetic location: 16q24.2.
Variant type: single nucleotide variant.
Coding change: c.5644G>A on transcript NM_001367624.2 (MANE Select); coding-DNA position 5644, G replaced by A.
Protein change: p.Ala1882Thr; replaces alanine 1882 with threonine.
Molecular consequence: missense variant.
Genome position (GRCh38, 1-based): chr16:88,433,114, G>A. VCF-style: chr16-88433114-G-A. GRCh37 (hg19) VCF-style: chr16-88499522-G-A.
Other names: NM_001127464.1:c.5560G>A; NM_001127464.2:c.5560G>A; p.Ala1882Thr; short protein forms A1882T.
Identifiers: ClinVar variation 1175622 (VCV001175622.18), dbSNP rs74032866, ClinGen allele CA8225096.

ClinVar aggregate classification (germline): Likely benign. Review status: criteria provided, multiple submitters, no conflicts (2 of 4 stars). 7 submissions from 7 submitters: Likely benign (6). 1 of the submissions does not count toward it. Last evaluated 2026-09-01.

Conditions:
ZNF469-related disorder. Also called: ZNF469-related condition.
Cardiovascular phenotype. Identifiers: MedGen CN230736.

Allele frequency attached by ClinVar (database versions not stated): gnomAD exomes 0.00039; ExAC 0.00068; 1000 Genomes Project 0.00080; 1000 Genomes Project 30x 0.00109; gnomAD 0.00172 and 0.00185; TOPMed 0.00210; ESP Exome Variant Server 0.00219.
gnomAD v4.1: 611 of 1,550,288 alleles (0.039%); highest among the groups gnomAD compares: African/African-American, 0.65%; 2 homozygotes.

Submissions (7):

CeGaT Center for Human Genetics Tuebingen
Classification: Likely benign. Last evaluated: 2026-09-01. Review status: criteria provided, single submitter. Criteria: CeGaT Center For Human Genetics Tuebingen Variant Classification Criteria Version 2. Collection method: clinical testing. Allele origin: germline. Affected: yes. Observed: 1 variant allele.
Comment: ZNF469: BP4, BS2

Women's Health and Genetics/Laboratory Corporation of America, LabCorp
Classification: Likely benign. Last evaluated: 2026-02-13. Review status: criteria provided, single submitter. Criteria: LabCorp Variant Classification Summary - May 2015. Collection method: clinical testing. Allele origin: germline.
Comment: Variant summary: ZNF469 c.5644G>A (p.Ala1882Thr) results in a non-conservative amino acid change in the encoded protein sequence. Algorithms developed to predict the effect of missense changes on protein structure and function are either unavailable or do not agree on the potential impact of this missense change. The variant allele was found at a frequency of 0.00039 in 153122 control chromosomes, predominantly at a frequency of 0.0068 within the African or African-American subpopulation in the gnomAD database. The observed variant frequency within African or African-American control individuals in the gnomAD database exceeds the estimated maximal expected allele frequency for disease-causing variants in ZNF469. To our knowledge, no occurrence of c.5644G>A in individuals affected with ZNF469-related conditions and no experimental evidence demonstrating its impact on protein function have been reported. ClinVar contains an entry for this variant (Variation ID: 1175622). Based on the evidence outlined above, the variant was classified as likely benign.

Labcorp Genetics (formerly Invitae), Labcorp
Classification: Likely benign. Last evaluated: 2026-02-02. Review status: criteria provided, single submitter. Criteria: Invitae Variant Classification Sherloc (09022015). Collection method: clinical testing. Allele origin: germline.

Mayo Clinic Laboratories, Mayo Clinic
Classification: Likely benign. Last evaluated: 2025-01-02. Review status: criteria provided, single submitter. Criteria: ACMG Guidelines, 2015. Collection method: clinical testing. Allele origin: germline. Observed: 1 variant allele.
Comment: BS1, BP4_moderate

GeneDx
Classification: Likely benign. Last evaluated: 2020-10-05. Review status: criteria provided, single submitter. Criteria: GeneDx Variant Classification Process June 2021. Collection method: clinical testing. Allele origin: germline. Affected: yes.

Ambry Genetics
Classification: Likely benign for Cardiovascular phenotype. Last evaluated: 2020-03-13. Review status: criteria provided, single submitter. Criteria: Ambry Variant Classification Scheme 2023. Collection method: clinical testing. Allele origin: germline.

PreventionGenetics, part of Exact Sciences
Classification: Likely benign for ZNF469-related condition. Last evaluated: 2024-02-20. Review status: no assertion criteria provided. Collection method: clinical testing. Allele origin: germline. Not counted in ClinVar's aggregate classification.
Comment: This variant is classified as likely benign based on ACMG/AMP sequence variant interpretation guidelines (Richards et al. 2015 PMID: 25741868, with internal and published modifications).